The following is an entry in ClinVar:

ClinVar aggregate classification (germline): Uncertain significance (1 of 4 stars; one submission).

Allele frequency attached by ClinVar (database versions not stated): gnomAD exomes below 0.00001; ExAC 0.00001; TOPMed 0.00001; gnomAD 0.00002; ESP Exome Variant Server 0.00015.
gnomAD v4.1: 15 of 1,608,060 alleles (0.00093%); highest among the groups gnomAD compares: Non-Finnish European, 0.0012%; no homozygotes.

Submission:

Labcorp Genetics (formerly Invitae), Labcorp
Classification: Uncertain significance. Last evaluated: 2025-08-04. Review status: criteria provided, single submitter. Criteria: Invitae Variant Classification Sherloc (09022015). Collection method: clinical testing. Allele origin: germline.
Comment: This sequence change replaces arginine, which is basic and polar, with threonine, which is neutral and polar, at codon 678 of the PDE6A protein (p.Arg678Thr). This variant is present in population databases (rs147636561, gnomAD 0.002%). This variant has not been reported in the literature in individuals affected with PDE6A-related conditions. ClinVar contains an entry for this variant (Variation ID: 862334). Invitae Evidence Modeling of protein sequence and biophysical properties (such as structural, functional, and spatial information, amino acid conservation, physicochemical variation, residue mobility, and thermodynamic stability) indicates that this missense variant is expected to disrupt PDE6A protein function with a positive predictive value of 95%. In summary, the available evidence is currently insufficient to determine the role of this variant in disease. Therefore, it has been classified as a Variant of Uncertain Significance.

NM_000440.3(PDE6A):c.2033G>C (p.Arg678Thr)

Gene: PDE6A (phosphodiesterase 6A; minus strand). Cytogenetic location: 5q32.
Variant type: single nucleotide variant.
Coding change: c.2033G>C on transcript NM_000440.3 (MANE Select); coding-DNA position 2033, G replaced by C.
Protein change: p.Arg678Thr; replaces arginine 678 with threonine.
Molecular consequence: missense variant.
Genome position (GRCh38, 1-based): chr5:149,883,531, C>G on the plus strand (G>C on the coding strand, the complement: PDE6A is on the minus strand). VCF-style: chr5-149883531-C-G. GRCh37 (hg19) VCF-style: chr5-149263094-C-G.
Other names: short protein forms R678T.
Identifiers: ClinVar variation 862334 (VCV000862334.8), dbSNP rs147636561, ClinGen allele CA3504423.